The following is an entry in ClinVar:

NC_000012.11:g.(?_64173741)_(64174974_?)del

Gene: RXYLT1 (ribitol xylosyltransferase 1; plus strand). Cytogenetic location: 12q14.2.
Variant type: Deletion.
Identifiers: ClinVar variation 3244418 (VCV003244418.1).

ClinVar aggregate classification (germline): Pathogenic (1 of 4 stars; one submission).

Submission:

Labcorp Genetics (formerly Invitae), Labcorp
Classification: Pathogenic. Last evaluated: 2023-09-19. Review status: criteria provided, single submitter. Criteria: Invitae Variant Classification Sherloc (09022015). Collection method: clinical testing. Allele origin: unknown.
Comment: This variant is a gross deletion of the genomic region encompassing exon(s) 1-2 of the RXYLT1 gene, which includes the initiator codon. This deletion extends beyond the assayed region for this gene and therefore may encompass additional genes. It is expected to result in an absent or disrupted protein product. Loss-of-function variants in RXYLT1 are known to be pathogenic (PMID: 23217329, 23519211, 31742715). This variant has not been reported in the literature in individuals affected with RXYLT1-related conditions. For these reasons, this variant has been classified as Pathogenic.

Literature cited by the submitters: PubMed 23217329; PubMed 23519211; PubMed 31742715.